The following is an entry in ClinVar:

NM_001286577.2(C2CD3):c.2452A>G (p.Ile818Val)

Gene: C2CD3 (C2 domain containing 3 centriole elongation regulator; minus strand). Cytogenetic location: 11q13.4.
Variant type: single nucleotide variant.
Coding change: c.2452A>G on transcript NM_001286577.2 (MANE Select); coding-DNA position 2452, A replaced by G.
Protein change: p.Ile818Val; replaces isoleucine 818 with valine.
Molecular consequence: missense variant.
Genome position (GRCh38, 1-based): chr11:74,103,259, T>C on the plus strand (A>G on the coding strand, the complement: C2CD3 is on the minus strand). VCF-style: chr11-74103259-T-C. GRCh37 (hg19) VCF-style: chr11-73814304-T-C.
Other names: c.2452A>G, p.Ile818Val (NM_015531.6); c.2452A>G (NM_015531.4); short protein forms I818V.
Identifiers: ClinVar variation 2039476 (VCV002039476.4), dbSNP rs778751243, ClinGen allele CA6182642.

ClinVar aggregate classification (germline): Conflicting classifications of pathogenicity. Review status: criteria provided, conflicting classifications (1 of 4 stars). 3 submissions from 3 submitters: Uncertain significance (1); Likely benign (2). Last evaluated 2025-08-26.

Conditions:
Inborn genetic diseases. Identifiers: MedGen C0950123, MeSH D030342.

Allele frequency attached by ClinVar (database versions not stated): gnomAD 0.00003; ExAC 0.00004; TOPMed 0.00004; gnomAD exomes 0.00010.
gnomAD v4.1: 153 of 1,614,094 alleles (0.0095%); highest among the groups gnomAD compares: Non-Finnish European, 0.012%; no homozygotes.

Submissions (3):

Ambry Genetics
Classification: Likely benign for Inborn genetic diseases. Last evaluated: 2025-08-26. Review status: criteria provided, single submitter. Criteria: Ambry Variant Classification Scheme 2023. Collection method: clinical testing. Allele origin: germline.

Labcorp Genetics (formerly Invitae), Labcorp
Classification: Uncertain significance. Last evaluated: 2024-10-17. Review status: criteria provided, single submitter. Criteria: Invitae Variant Classification Sherloc (09022015). Collection method: clinical testing. Allele origin: germline.
Comment: This sequence change replaces isoleucine, which is neutral and non-polar, with valine, which is neutral and non-polar, at codon 818 of the C2CD3 protein (p.Ile818Val). This variant is present in population databases (rs778751243, gnomAD 0.009%). This variant has not been reported in the literature in individuals affected with C2CD3-related conditions. ClinVar contains an entry for this variant (Variation ID: 2039476). Invitae Evidence Modeling of protein sequence and biophysical properties (such as structural, functional, and spatial information, amino acid conservation, physicochemical variation, residue mobility, and thermodynamic stability) indicates that this missense variant is not expected to disrupt C2CD3 protein function with a negative predictive value of 80%. In summary, the available evidence is currently insufficient to determine the role of this variant in disease. Therefore, it has been classified as a Variant of Uncertain Significance.

Blueprint Genetics
Classification: Likely benign. Last evaluated: 2024-03-07. Review status: criteria provided, single submitter. Criteria: ACMG Guidelines, 2015. Collection method: clinical testing. Allele origin: germline.